The following is an entry in ClinVar:

ClinVar aggregate classification (germline): Uncertain significance (1 of 4 stars; one submission).

Submission:

GeneDx
Classification: Uncertain significance. Last evaluated: 2026-01-27. Review status: criteria provided, single submitter. Criteria: GeneDx Variant Classification Process June 2021. Collection method: clinical testing. Allele origin: germline.
Comment: Not observed at significant frequency in large population cohorts (gnomAD); In silico analysis suggests that this missense variant does not alter protein structure/function; Has not been previously published as pathogenic or benign to our knowledge

NM_006939.4(SOS2):c.3268T>C (p.Ser1090Pro)

Gene: SOS2 (SOS Ras/Rho guanine nucleotide exchange factor 2; minus strand). Cytogenetic location: 14q21.3.
Variant type: single nucleotide variant.
Coding change: c.3268T>C on transcript NM_006939.4 (MANE Select); coding-DNA position 3268, T replaced by C.
Protein change: p.Ser1090Pro; replaces serine 1090 with proline.
Molecular consequence: missense variant.
Genome position (GRCh38, 1-based): chr14:50,130,570, A>G on the plus strand (T>C on the coding strand, the complement: SOS2 is on the minus strand). VCF-style: chr14-50130570-A-G. GRCh37 (hg19) VCF-style: chr14-50597288-A-G.
Other names: c.3169T>C, p.Ser1057Pro (NM_001411020.1); short protein forms S1057P, S1090P.
Identifiers: ClinVar variation 4975679 (VCV004975679.1).
Genomic context (GRCh38, chr14:50,130,570, plus strand): 5'-TGTTGAGATCCACATCTAAAAATACACTAAGGTCTGAAGAAGCAGATACTGGTGGAGTAG[A>G]TGGTGTATTTGGAGAGGTTGGTGCTGACACTGTTGATTCCAGCTCAGTTTCAGCAATCCG-3'
Protein context (NP_008870.2, residues 1080-1100): VSAPTSPNTP[Ser1090Pro]TPPVSASSDL